The following is an entry in ClinVar:

NM_002335.4(LRP5):c.840dup (p.Pro281fs)

Gene: LRP5 (LDL receptor related protein 5; plus strand). Cytogenetic location: 11q13.2.
Variant type: Duplication.
Coding change: c.840dup on transcript NM_002335.4 (MANE Select); coding-DNA position 840, one base duplicated (A; older notation c.840dupA).
Protein change: p.Pro281fs; shifts the reading frame from proline 281.
Molecular consequence: frameshift variant. On other transcripts: 5 prime UTR variant (1).
Genome position (GRCh38, 1-based): chr11:68,363,900, A duplicated. VCF-style (leftmost placement, unchanged base first): chr11-68363899-C-CA. GRCh37 (hg19) VCF-style: chr11-68131367-C-CA.
Other names: c.-926dup (NM_001291902.2); short protein forms P281fs.
Identifiers: ClinVar variation 524029 (VCV000524029.5), dbSNP rs1555077255, ClinGen allele CA658797701.

ClinVar aggregate classification (germline): Pathogenic. Review status: criteria provided, multiple submitters, no conflicts (2 of 4 stars). 2 submissions from 2 submitters: Pathogenic (2). Last evaluated 2023-11-10.

Submissions (2):

Labcorp Genetics (formerly Invitae), Labcorp
Classification: Pathogenic. Last evaluated: 2023-11-10. Review status: criteria provided, single submitter. Criteria: Invitae Variant Classification Sherloc (09022015). Collection method: clinical testing. Allele origin: germline.
Comment: This sequence change creates a premature translational stop signal (p.Pro281Thrfs*20) in the LRP5 gene. It is expected to result in an absent or disrupted protein product. Loss-of-function variants in LRP5 are known to be pathogenic (PMID: 11719191, 16252235, 25711638). This variant is not present in population databases (gnomAD no frequency). This variant has not been reported in the literature in individuals affected with LRP5-related conditions. ClinVar contains an entry for this variant (Variation ID: 524029). For these reasons, this variant has been classified as Pathogenic.

GeneDx
Classification: Pathogenic. Last evaluated: 2018-03-28. Review status: criteria provided, single submitter. Criteria: GeneDx Variant Classification (06012015). Collection method: clinical testing. Allele origin: germline. Affected: yes.
Comment: The c.840dupA variant in the LRP5 gene has not been reported previously as a pathogenic variant nor as a benign variant, to our knowledge. The c.840dupA variant causes a frameshift starting with codon Proline 281, changes this amino acid to a Threonine residue, and creates a premature Stop codon at position 20 of the new reading frame, denoted p.Pro281ThrfsX20. This variant is predicted to cause loss of normal protein function either through protein truncation or nonsense-mediated mRNA decay. The c.840dupA variant is not observed in large population cohorts (Lek et al., 2016). We interpret c.840dupA as a pathogenic variant.

Literature cited by the submitters: PubMed 11719191 (cited by Labcorp Genetics (formerly Invitae), Labcorp); PubMed 16252235 (cited by Labcorp Genetics (formerly Invitae), Labcorp); PubMed 25711638 (cited by Labcorp Genetics (formerly Invitae), Labcorp).